The following is an entry in ClinVar:

NM_001048174.2(MUTYH):c.1459T>C (p.Ser487Pro)

Gene: MUTYH (mutY DNA glycosylase; minus strand). Cytogenetic location: 1p34.1.
Variant type: single nucleotide variant.
Coding change: c.1459T>C on transcript NM_001048174.2 (MANE Select); coding-DNA position 1459, T replaced by C.
Protein change: p.Ser487Pro; replaces serine 487 with proline.
Molecular consequence: missense variant. On other transcripts: non-coding transcript variant (7).
Genome position (GRCh38, 1-based): chr1:45,329,413, A>G on the plus strand (T>C on the coding strand, the complement: MUTYH is on the minus strand). VCF-style: chr1-45329413-A-G. GRCh37 (hg19) VCF-style: chr1-45795085-A-G.
Other names: c.1459T>C, p.Ser487Pro (NM_001048171.2, NM_001048173.2, NM_001293195.2 and 6 more transcripts); c.1462T>C, p.Ser488Pro (NM_001048172.2, NM_001407071.1, NM_001407086.1 and 1 more transcripts); c.1543T>C, p.Ser515Pro (NM_001128425.2); c.1504T>C, p.Ser502Pro (NM_001293190.2); c.1492T>C, p.Ser498Pro (NM_001293191.2, NM_001407069.1, NM_001407077.1); c.1183T>C, p.Ser395Pro (NM_001293192.2, NM_001293196.2, NM_001407091.1); c.1114T>C, p.Ser372Pro (NM_001350650.2, NM_001350651.2, NM_001407082.1); c.1480T>C, p.Ser494Pro (NM_001407087.1); and 5 more; short protein forms S372P, S487P, S494P, S498P, S459P, S502P, S395P, S474P.
Identifiers: ClinVar variation 4113346 (VCV004113346.1).

ClinVar aggregate classification (germline): Uncertain significance (1 of 4 stars; one submission).

Conditions:
Hereditary cancer-predisposing syndrome. Also called: Tumor predisposition; Neoplastic Syndromes, Hereditary; Hereditary neoplastic syndrome; Hereditary Cancer Syndrome. Identifiers: Orphanet 140162, MedGen C0027672, MeSH D009386, MONDO:0015356.

Submission:

Ambry Genetics
Classification: Uncertain significance for Hereditary cancer-predisposing syndrome. Last evaluated: 2025-08-27. Review status: criteria provided, single submitter. Criteria: Ambry Variant Classification Scheme 2023. Collection method: clinical testing. Allele origin: germline.
Comment: The p.S515P variant (also known as c.1543T>C), located in coding exon 16 of the MUTYH gene, results from a T to C substitution at nucleotide position 1543. The serine at codon 515 is replaced by proline, an amino acid with similar properties. This amino acid position is conserved. In addition, this alteration is predicted to be tolerated by in silico analysis. Based on the available evidence, the clinical significance of this variant remains unclear.